The following is an entry in ClinVar:

ClinVar aggregate classification (germline): Uncertain significance (1 of 4 stars; one submission).

Conditions:
Inborn genetic diseases. Identifiers: MedGen C0950123, MeSH D030342.

gnomAD v4.1: 2 of 1,608,696 alleles (0.00012%); highest among the groups gnomAD compares: African/African-American, 0.0027%; no homozygotes.

Submission:

Ambry Genetics
Classification: Uncertain significance for Inborn genetic diseases. Last evaluated: 2024-12-29. Review status: criteria provided, single submitter. Criteria: Ambry Variant Classification Scheme 2023. Collection method: clinical testing. Allele origin: germline.
Comment: The p.S1156R variant (also known as c.3468C>A), located in coding exon 16 of the MECOM gene, results from a C to A substitution at nucleotide position 3468. The serine at codon 1156 is replaced by arginine, an amino acid with dissimilar properties. This amino acid position is conserved. In addition, this alteration is predicted to be tolerated by in silico analysis. Based on the available evidence, the clinical significance of this variant remains unclear.

NM_004991.4(MECOM):c.3468C>A (p.Ser1156Arg)

Gene: MECOM (MDS1 and EVI1 complex locus; minus strand). Cytogenetic location: 3q26.2.
Variant type: single nucleotide variant.
Coding change: c.3468C>A on transcript NM_004991.4 (MANE Select); coding-DNA position 3468, C replaced by A.
Protein change: p.Ser1156Arg; replaces serine 1156 with arginine.
Molecular consequence: missense variant.
Genome position (GRCh38, 1-based): chr3:169,089,117, G>T on the plus strand (C>A on the coding strand, the complement: MECOM is on the minus strand). VCF-style: chr3-169089117-G-T. GRCh37 (hg19) VCF-style: chr3-168806905-G-T.
Other names: c.3099C>A, p.Ser1033Arg (NM_001105077.4); c.2904C>A, p.Ser968Arg (NM_001105078.4, NM_001205194.2, NM_001366469.2 and 1 more transcripts); c.2880C>A, p.Ser960Arg (NM_001163999.2, NM_001366470.2); c.2877C>A, p.Ser959Arg (NM_001164000.2, NM_001366471.2, NM_001366472.2); c.3441C>A, p.Ser1147Arg (NM_001366466.2); c.2907C>A, p.Ser969Arg (NM_001366467.2, NM_001366468.2); c.2469C>A, p.Ser823Arg (NM_001366473.2); c.1905C>A, p.Ser635Arg (NM_001366474.2); short protein forms S1156R, S960R, S1033R, S823R, S959R, S1147R, S635R, S968R.
Identifiers: ClinVar variation 3871652 (VCV003871652.1).